The following is an entry in ClinVar:

NM_002458.3(MUC5B):c.11517C>T (p.Thr3839=)

Genes: MUC5B (mucin 5B, oligomeric mucus/gel-forming; plus strand), MUC5B-AS1 (MUC5B antisense RNA 1; minus strand). Cytogenetic location: 11p15.5.
Variant type: single nucleotide variant.
Coding change: c.11517C>T on transcript NM_002458.3 (MANE Select); coding-DNA position 11517, C replaced by T.
Protein change: p.Thr3839=; no amino-acid change (threonine 3839 retained).
Molecular consequence: synonymous variant.
Genome position (GRCh38, 1-based): chr11:1,248,397, C>T. VCF-style: chr11-1248397-C-T. GRCh37 (hg19) VCF-style: chr11-1269627-C-T.
Identifiers: ClinVar variation 403168 (VCV000403168.7), dbSNP rs4963056, ClinGen allele CA5807675.
Genomic context (GRCh38, chr11:1,248,397, plus strand): 5'-GTCCACAGCCACACCCTCCTCCACTCCAGAGACTGCCCACACCTCCACAGTGCTTACCAC[C>T]ACGGCCACCACAACCAGGGCCACCGGCTCTGTGGCCACCCCCTCTTCCACCCCAGGAACA-3'
Protein context (NP_002449.2, residues 3829-3849): ETAHTSTVLT[Thr3839=]TATTTRATGS

ClinVar aggregate classification (germline): Benign. Review status: criteria provided, multiple submitters, no conflicts (2 of 4 stars). 3 submissions from 3 submitters: Benign (3). Last evaluated 2018-11-12.

Allele frequency attached by ClinVar (database versions not stated): ESP Exome Variant Server 0.26374; gnomAD 0.28948 and 0.29337; TOPMed 0.29379; gnomAD exomes 0.31351 and 0.32107; ExAC 0.31906; 1000 Genomes Project 30x 0.33479; 1000 Genomes Project 0.33746.
gnomAD v4.1: 502,179 of 1,610,678 alleles (31%); highest among the groups gnomAD compares: East Asian, 60%; 82,438 homozygotes.

Submissions (3):

GeneDx
Classification: Benign. Last evaluated: 2018-11-12. Review status: criteria provided, single submitter. Criteria: GeneDx Variant Classification Process June 2021. Collection method: clinical testing. Allele origin: germline. Affected: yes.

Laboratory for Molecular Medicine, Mass General Brigham Personalized Medicine
Classification: Benign. Last evaluated: 2016-03-28. Review status: criteria provided, single submitter. Criteria: LMM Criteria. Collection method: clinical testing. Allele origin: germline.
Comment: Variant identified in a genome or exome case(s) and assessed due to predicted null impact of the variant or pathogenic assertions in the literature or databases. Disclaimer: This variant has not undergone full assessment. The following are preliminary notes: Frequency

Breakthrough Genomics
Classification: Benign. Review status: criteria provided, single submitter. Criteria: ACMG Guidelines, 2015. Collection method: not provided. Allele origin: germline. Inheritance: Autosomal dominant inheritance. Affected: yes.